The following is an entry in ClinVar:

NM_005529.7(HSPG2):c.4742A>G (p.Gln1581Arg)

Gene: HSPG2 (heparan sulfate proteoglycan 2; minus strand). Cytogenetic location: 1p36.12.
Variant type: single nucleotide variant.
Coding change: c.4742A>G on transcript NM_005529.7 (MANE Select); coding-DNA position 4742, A replaced by G.
Protein change: p.Gln1581Arg; replaces glutamine 1581 with arginine.
Molecular consequence: missense variant.
Genome position (GRCh38, 1-based): chr1:21,862,114, T>C on the plus strand (A>G on the coding strand, the complement: HSPG2 is on the minus strand). VCF-style: chr1-21862114-T-C. GRCh37 (hg19) VCF-style: chr1-22188607-T-C.
Other names: c.4745A>G, p.Gln1582Arg (NM_001291860.2); short protein forms Q1581R, Q1582R.
Identifiers: ClinVar variation 2401917 (VCV002401917.3), dbSNP rs771215607, ClinGen allele CA672175.

ClinVar aggregate classification (germline): Uncertain significance. Review status: criteria provided, multiple submitters, no conflicts (2 of 4 stars). 2 submissions from 2 submitters: Uncertain significance (2). Last evaluated 2024-12-23.

Conditions:
Inborn genetic diseases. Identifiers: MedGen C0950123, MeSH D030342.

Allele frequency attached by ClinVar (database versions not stated): TOPMed 0.00008; ExAC 0.00001; gnomAD 0.00007; gnomAD exomes 0.00001.
gnomAD v4.1: 26 of 1,612,458 alleles (0.0016%); highest among the groups gnomAD compares: African/African-American, 0.029%; no homozygotes.

Submissions (2):

GeneDx
Classification: Uncertain significance. Last evaluated: 2024-12-23. Review status: criteria provided, single submitter. Criteria: GeneDx Variant Classification Process June 2021. Collection method: clinical testing. Allele origin: germline. Affected: yes.
Comment: In silico analysis indicates that this missense variant does not alter protein structure/function; Has not been previously published as pathogenic or benign to our knowledge

Ambry Genetics
Classification: Uncertain significance for Inborn genetic diseases. Last evaluated: 2022-07-20. Review status: criteria provided, single submitter. Criteria: Ambry Variant Classification Scheme 2023. Collection method: clinical testing. Allele origin: germline.